The following is an entry in ClinVar:

NM_017654.4(SAMD9):c.743T>C (p.Val248Ala)

Gene: SAMD9 (sterile alpha motif domain containing 9; minus strand). Cytogenetic location: 7q21.2.
Variant type: single nucleotide variant.
Coding change: c.743T>C on transcript NM_017654.4 (MANE Select); coding-DNA position 743, T replaced by C.
Protein change: p.Val248Ala; replaces valine 248 with alanine.
Molecular consequence: missense variant.
Genome position (GRCh38, 1-based): chr7:93,105,355, A>G on the plus strand (T>C on the coding strand, the complement: SAMD9 is on the minus strand). VCF-style: chr7-93105355-A-G. GRCh37 (hg19) VCF-style: chr7-92734668-A-G.
Other names: c.743T>C, p.Val248Ala (NM_001193307.2); short protein forms V248A.
Identifiers: ClinVar variation 3791969 (VCV003791969.1).

ClinVar aggregate classification (germline): Uncertain significance (1 of 4 stars; one submission).

Conditions:
Inborn genetic diseases. Identifiers: MedGen C0950123, MeSH D030342.

gnomAD v4.1: 1 of 1,614,020 alleles (0.000062%); highest among the groups gnomAD compares: East Asian, 0.0022%; no homozygotes.

Submission:

Ambry Genetics
Classification: Uncertain significance for Inborn genetic diseases. Last evaluated: 2025-01-03. Review status: criteria provided, single submitter. Criteria: Ambry Variant Classification Scheme 2023. Collection method: clinical testing. Allele origin: germline.
Comment: The p.V248A variant (also known as c.743T>C), located in coding exon 1 of the SAMD9 gene, results from a T to C substitution at nucleotide position 743. The valine at codon 248 is replaced by alanine, an amino acid with similar properties. This amino acid position is conserved. In addition, this alteration is predicted to be tolerated by in silico analysis. Based on the available evidence, the clinical significance of this variant remains unclear.